The following is an entry in ClinVar:

NM_001080453.3(INTS1):c.3382G>A (p.Val1128Met)

Gene: INTS1 (integrator complex subunit 1; minus strand). Cytogenetic location: 7p22.3.
Variant type: single nucleotide variant.
Coding change: c.3382G>A on transcript NM_001080453.3 (MANE Select); coding-DNA position 3382, G replaced by A.
Protein change: p.Val1128Met; replaces valine 1128 with methionine.
Molecular consequence: missense variant.
Genome position (GRCh38, 1-based): chr7:1,484,050, C>T on the plus strand (G>A on the coding strand, the complement: INTS1 is on the minus strand). VCF-style: chr7-1484050-C-T. GRCh37 (hg19) VCF-style: chr7-1523686-C-T.
Other names: short protein forms V1128M.
Identifiers: ClinVar variation 3052788 (VCV003052788.2), dbSNP rs200985889, ClinGen allele CA4119340.

ClinVar aggregate classification (germline): Benign (0 of 4 stars; one submission).

Conditions:
INTS1-related disorder. Also called: INTS1-related condition.

Allele frequency attached by ClinVar (database versions not stated): gnomAD exomes 0.00023; gnomAD 0.00029; TOPMed 0.00031; ExAC 0.00037; ESP Exome Variant Server 0.00047.
gnomAD v4.1: 393 of 1,612,216 alleles (0.024%); highest among the groups gnomAD compares: African/African-American, 0.013%; no homozygotes.

Submission:

PreventionGenetics, part of Exact Sciences
Classification: Benign for INTS1-related condition. Last evaluated: 2019-08-13. Review status: no assertion criteria provided. Collection method: clinical testing. Allele origin: germline.
Comment: This variant is classified as benign based on ACMG/AMP sequence variant interpretation guidelines (Richards et al. 2015 PMID: 25741868, with internal and published modifications).